The following is an entry in ClinVar:

NM_021930.6(RINT1):c.974G>A (p.Arg325Gln)

Gene: RINT1 (RAD50 interactor 1; plus strand). Cytogenetic location: 7q22.3.
Variant type: single nucleotide variant.
Coding change: c.974G>A on transcript NM_021930.6 (MANE Select); coding-DNA position 974, G replaced by A.
Protein change: p.Arg325Gln; replaces arginine 325 with glutamine.
Molecular consequence: missense variant. On other transcripts: 5 prime UTR variant (1), non-coding transcript variant (1), intron variant (1).
Genome position (GRCh38, 1-based): chr7:105,548,688, G>A. VCF-style: chr7-105548688-G-A. GRCh37 (hg19) VCF-style: chr7-105189135-G-A.
Other names: c.740G>A, p.Arg247Gln (NM_001346599.2); c.-46G>A (NM_001346600.2); c.50G>A, p.Arg17Gln (NM_001346601.2); c.-27-1367G>A (NM_001346603.2); short protein forms R17Q, R247Q, R325Q.
Identifiers: ClinVar variation 945881 (VCV000945881.10), dbSNP rs998778572, ClinGen allele CA164056548.

ClinVar aggregate classification (germline): Uncertain significance. Review status: criteria provided, multiple submitters, no conflicts (2 of 4 stars). 2 submissions from 2 submitters: Uncertain significance (2). Last evaluated 2025-12-10.

Allele frequency attached by ClinVar (database versions not stated): gnomAD 0.00003; gnomAD exomes 0.00003; TOPMed 0.00002.
gnomAD v4.1: 20 of 1,613,194 alleles (0.0012%); highest among the groups gnomAD compares: Admixed American, 0.01%; no homozygotes.

Submissions (2):

Ambry Genetics
Classification: Uncertain significance. Last evaluated: 2025-12-10. Review status: criteria provided, single submitter. Criteria: Ambry Variant Classification Scheme 2023. Collection method: clinical testing. Allele origin: germline.

Labcorp Genetics (formerly Invitae), Labcorp
Classification: Uncertain significance. Last evaluated: 2023-08-17. Review status: criteria provided, single submitter. Criteria: Invitae Variant Classification Sherloc (09022015). Collection method: clinical testing. Allele origin: germline.
Comment: This variant has not been reported in the literature in individuals affected with RINT1-related conditions. ClinVar contains an entry for this variant (Variation ID: 945881). An algorithm developed to predict the effect of missense changes on protein structure and function (PolyPhen-2) suggests that this variant¬†is likely to be tolerated. In summary, the available evidence is currently insufficient to determine the role of this variant in disease. Therefore, it has been classified as a Variant of Uncertain Significance. This variant is present in population databases (no rsID available, gnomAD 0.01%). This sequence change replaces arginine, which is basic and polar, with glutamine, which is neutral and polar, at codon 325 of the RINT1 protein (p.Arg325Gln).